The following is an entry in ClinVar:

NM_000719.7(CACNA1C):c.1419C>T (p.Ser473=)

Gene: CACNA1C (calcium voltage-gated channel subunit alpha1 C; plus strand). Cytogenetic location: 12p13.33.
Variant type: single nucleotide variant.
Coding change: c.1419C>T on transcript NM_000719.7 (MANE Select); coding-DNA position 1419, C replaced by T.
Protein change: p.Ser473=; no amino-acid change (serine 473 retained).
Molecular consequence: synonymous variant.
Genome position (GRCh38, 1-based): chr12:2,549,971, C>T. VCF-style: chr12-2549971-C-T. GRCh37 (hg19) VCF-style: chr12-2659137-C-T.
Other names: c.1419C>T, p.Ser473= (NM_001129827.2, NM_001129829.2, NM_001129830.3 and 18 more transcripts); c.1410C>T, p.Ser470= (NM_001129844.2); c.1419C>T (NM_199460.3).
Identifiers: ClinVar variation 263744 (VCV000263744.49), dbSNP rs368065584, ClinGen allele CA6388730.

ClinVar aggregate classification (germline): Benign/Likely benign. Review status: criteria provided, multiple submitters, no conflicts (2 of 4 stars). 8 submissions from 8 submitters: Benign (1); Likely benign (6). 1 of the submissions does not count toward it. Last evaluated 2026-03-27.

Conditions:
CACNA1C-related disorder. Also called: CACNA1C-related condition; CACNA1C-related disorders. Identifiers: MedGen CN381092, MONDO:0700321.
Cardiovascular phenotype. Identifiers: MedGen CN230736.
Long QT syndrome (LQTS). Identifiers: MedGen C0023976, MeSH D008133, MONDO:0002442. Disease mechanism: loss of function. Inheritance: Various modes of inheritance.

Allele frequency attached by ClinVar (database versions not stated): TOPMed 0.00010; gnomAD 0.00016 and 0.00017; gnomAD exomes 0.00018; ExAC 0.00042; ESP Exome Variant Server 0.00047.
gnomAD v4.1: 361 of 1,606,938 alleles (0.022%); highest among the groups gnomAD compares: Non-Finnish European, 0.028%; no homozygotes.

Submissions (8):

Molecular Diagnostic Laboratory for Inherited Cardiovascular Disease, Montreal Heart Institute
Classification: Likely benign. Last evaluated: 2026-03-27. Review status: criteria provided, single submitter. Criteria: ACMG Guidelines, 2015. Collection method: clinical testing. Allele origin: germline. Affected: no.
Comment: BS1;BP7

Labcorp Genetics (formerly Invitae), Labcorp
Classification: Likely benign for Long QT syndrome. Last evaluated: 2026-01-29. Review status: criteria provided, single submitter. Criteria: Invitae Variant Classification Sherloc (09022015). Collection method: clinical testing. Allele origin: germline.

CeGaT Center for Human Genetics Tuebingen
Classification: Likely benign. Last evaluated: 2026-01-01. Review status: criteria provided, single submitter. Criteria: CeGaT Center For Human Genetics Tuebingen Variant Classification Criteria Version 2. Collection method: clinical testing. Allele origin: germline. Affected: yes. Observed: 4 variant alleles.
Comment: CACNA1C: BP4, BP7

Blueprint Genetics
Classification: Likely benign. Last evaluated: 2024-11-23. Review status: criteria provided, single submitter. Criteria: ACMG Guidelines, 2015. Collection method: clinical testing. Allele origin: germline.

Women's Health and Genetics/Laboratory Corporation of America, LabCorp
Classification: Benign. Last evaluated: 2022-10-30. Review status: criteria provided, single submitter. Criteria: LabCorp Variant Classification Summary - May 2015. Collection method: clinical testing. Allele origin: germline.

ARUP Laboratories, Molecular Genetics and Genomics, ARUP Laboratories
Classification: Likely benign. Last evaluated: 2020-02-16. Review status: criteria provided, single submitter. Criteria: ARUP Molecular Germline Variant Investigation Process. Collection method: clinical testing. Allele origin: germline.

Ambry Genetics
Classification: Likely benign for Cardiovascular phenotype. Last evaluated: 2018-11-27. Review status: criteria provided, single submitter. Criteria: Ambry Variant Classification Scheme 2023. Collection method: clinical testing. Allele origin: germline.

PreventionGenetics, part of Exact Sciences
Classification: Likely benign for CACNA1C-related condition. Last evaluated: 2024-02-23. Review status: no assertion criteria provided. Collection method: clinical testing. Allele origin: germline. Not counted in ClinVar's aggregate classification.
Comment: This variant is classified as likely benign based on ACMG/AMP sequence variant interpretation guidelines (Richards et al. 2015 PMID: 25741868, with internal and published modifications).